The following is an entry in ClinVar:

ClinVar aggregate classification (germline): Uncertain significance (1 of 4 stars; one submission).

Conditions:
Familial hypocalciuric hypercalcemia (FHH). Also called: Familial benign hypercalcemia. Identifiers: Orphanet 405, MedGen C1809471, MONDO:0018458.
Autosomal dominant hypocalcemia 1 (HYPOC1). Also called: HYPOCALCEMIA, FAMILIAL. Identifiers: MedGen C3715128, MONDO:0011013, OMIM 601198.

Submission:

Labcorp Genetics (formerly Invitae), Labcorp
Classification: Uncertain significance for Familial hypocalciuric hypercalcemia; Autosomal dominant hypocalcemia 1. Last evaluated: 2020-08-22. Review status: criteria provided, single submitter. Criteria: Invitae Variant Classification Sherloc (09022015). Collection method: clinical testing. Allele origin: germline.
Comment: This variant has not been reported in the literature in individuals with CASR-related conditions. Algorithms developed to predict the effect of missense changes on protein structure and function (SIFT, PolyPhen-2, Align-GVGD) all suggest that this variant is likely to be disruptive, but these predictions have not been confirmed by published functional studies and their clinical significance is uncertain. This variant disrupts the p.Gln459 amino acid residue in CASR. Other variant(s) that disrupt this residue have been determined to be pathogenic (PMID: 24517148, 19789209, 27666534). This suggests that this residue is clinically significant, and that variants that disrupt this residue are likely to be disease-causing. In summary, the available evidence is currently insufficient to determine the role of this variant in disease. Therefore, it has been classified as a Variant of Uncertain Significance. This variant is not present in population databases (ExAC no frequency). This sequence change replaces glutamine with lysine at codon 459 of the CASR protein (p.Gln459Lys). The glutamine residue is highly conserved and there is a small physicochemical difference between glutamine and lysine.

Literature cited by the submitters: PubMed 24517148; PubMed 19789209; PubMed 27666534.

NM_000388.4(CASR):c.1375C>A (p.Gln459Lys)

Gene: CASR (calcium sensing receptor; plus strand). Cytogenetic location: 3q21.1.
Variant type: single nucleotide variant.
Coding change: c.1375C>A on transcript NM_000388.4 (MANE Select); coding-DNA position 1375, C replaced by A.
Protein change: p.Gln459Lys; replaces glutamine 459 with lysine.
Molecular consequence: missense variant.
Genome position (GRCh38, 1-based): chr3:122,262,410, C>A. VCF-style: chr3-122262410-C-A. GRCh37 (hg19) VCF-style: chr3-121981257-C-A.
Other names: c.1375C>A, p.Gln459Lys (NM_001178065.2); short protein forms Q459K.
Identifiers: ClinVar variation 1041703 (VCV001041703.9), dbSNP rs2074639368, ClinGen allele CA354153420.